The following is an entry in ClinVar:

ClinVar aggregate classification (germline): Likely pathogenic (1 of 4 stars; one submission).

Conditions:
Dilated cardiomyopathy 1G (CMD1G). Identifiers: Orphanet 154, MedGen C1858763, MONDO:0011400, OMIM 604145.
Autosomal recessive limb-girdle muscular dystrophy type 2J (LGMDR10). Also called: Limb-girdle muscular dystrophy, type 2J; MUSCULAR DYSTROPHY, LIMB-GIRDLE, AUTOSOMAL RECESSIVE 10. Identifiers: Orphanet 140922, MedGen C1837342, MONDO:0012127, OMIM 608807.

Submission:

Labcorp Genetics (formerly Invitae), Labcorp
Classification: Likely pathogenic for Dilated cardiomyopathy 1G; Autosomal recessive limb-girdle muscular dystrophy type 2J. Last evaluated: 2024-10-18. Review status: criteria provided, single submitter. Criteria: Invitae Variant Classification Sherloc (09022015). Collection method: clinical testing. Allele origin: germline.
Comment: This sequence change creates a premature translational stop signal (p.Ile14340Leufs*14) in the TTN gene. While this is not anticipated to result in nonsense mediated decay, it is expected to create a truncated TTN protein. This variant is not present in population databases (gnomAD no frequency). This variant has not been observed in the literature in individuals with autosomal recessive TTN-related conditions. This variant has been reported in individual(s) with autosomal dominant dilated cardiomyopathy (internal data); however, the role of the variant in this condition is currently unclear. Experimental studies and prediction algorithms are not available or were not evaluated, and the functional significance of this variant is currently unknown. This variant is located in the I band of TTN (PMID: 25589632). Truncating variants in this region have been reported in individuals affected with autosomal recessive centronuclear myopathy (PMID: 23975875, internal data). Truncating variants in this region have also been identified in individuals affected with autosomal dominant dilated cardiomyopathy and/or cardio-related conditions (PMID: 27869827, 32964742, internal data). In summary, the currently available evidence indicates that the variant is pathogenic, but additional data are needed to prove that conclusively. Therefore, this variant has been classified as Likely Pathogenic.

Literature cited by the submitters: PubMed 25589632; PubMed 23975875; PubMed 27869827; PubMed 32964742.

NM_001267550.2(TTN):c.43018del (p.Ile14340fs)

Gene: TTN (titin; minus strand). Cytogenetic location: 2q31.2.
Variant type: Deletion.
Coding change: c.43018del on transcript NM_001267550.2 (MANE Select); coding-DNA position 43018, one base deleted (A; older notation c.43018delA).
Protein change: p.Ile14340fs; shifts the reading frame from isoleucine 14340.
Molecular consequence: frameshift variant.
Genome position (GRCh38, 1-based): chr2:178,633,255, T deleted on the plus strand (A on the coding strand, the reverse complement: TTN is on the minus strand); the first of 3 consecutive T bases (chr2:178,633,255-178,633,257); deleting any one gives the same sequence. VCF-style (leftmost placement, unchanged base first): chr2-178633254-AT-A. GRCh37 (hg19) VCF-style: chr2-179497981-AT-A.
Other names: c.38095del, p.Ile12699fs (NM_001256850.1); c.15823del, p.Ile5275fs (NM_003319.4); c.35314del, p.Ile11772fs (NM_133378.4); c.16198del, p.Ile5400fs (NM_133432.3); c.16399del, p.Ile5467fs (NM_133437.4); short protein forms I11772fs, I12699fs, I5275fs, I14340fs, I5400fs, I5467fs.
Identifiers: ClinVar variation 2950056 (VCV002950056.3), dbSNP rs2471500163, ClinGen allele CA2740096350.